The following is an entry in ClinVar:

ClinVar aggregate classification (germline): Uncertain significance. Review status: criteria provided, multiple submitters, no conflicts (2 of 4 stars). 2 submissions from 2 submitters: Uncertain significance (2). Last evaluated 2025-04-23.

Conditions:
Hereditary spastic paraplegia 31. Also called: SPASTIC PARAPLEGIA 31, AUTOSOMAL DOMINANT. Identifiers: Orphanet 101011, MedGen C1853247, MONDO:0012453, OMIM 610250.

Submissions (2):

Labcorp Genetics (formerly Invitae), Labcorp
Classification: Uncertain significance for Hereditary spastic paraplegia 31. Last evaluated: 2025-04-23. Review status: criteria provided, single submitter. Criteria: Invitae Variant Classification Sherloc (09022015). Collection method: clinical testing. Allele origin: germline.
Comment: This sequence change replaces aspartic acid, which is acidic and polar, with asparagine, which is neutral and polar, at codon 104 of the REEP1 protein (p.Asp104Asn). This variant is not present in population databases (gnomAD no frequency). This variant has not been reported in the literature in individuals affected with REEP1-related conditions. ClinVar contains an entry for this variant (Variation ID: 3572536). An algorithm developed to predict the effect of missense changes on protein structure and function (PolyPhen-2) suggests that this variant is likely to be disruptive. In summary, the available evidence is currently insufficient to determine the role of this variant in disease. Therefore, it has been classified as a Variant of Uncertain Significance.

GeneDx
Classification: Uncertain significance. Last evaluated: 2024-06-26. Review status: criteria provided, single submitter. Criteria: GeneDx Variant Classification Process June 2021. Collection method: clinical testing. Allele origin: germline. Affected: yes.
Comment: Not observed at significant frequency in large population cohorts (gnomAD); In silico analysis supports that this missense variant has a deleterious effect on protein structure/function; Has not been previously published as pathogenic or benign to our knowledge

NM_001371279.1(REEP1):c.310G>A (p.Asp104Asn)

Gene: REEP1 (receptor accessory protein 1; minus strand). Cytogenetic location: 2p11.2.
Variant type: single nucleotide variant.
Coding change: c.310G>A on transcript NM_001371279.1 (MANE Select); coding-DNA position 310, G replaced by A.
Protein change: p.Asp104Asn; replaces aspartic acid 104 with asparagine.
Molecular consequence: missense variant. On other transcripts: intron variant (1).
Genome position (GRCh38, 1-based): chr2:86,252,064, C>T on the plus strand (G>A on the coding strand, the complement: REEP1 is on the minus strand). VCF-style: chr2-86252064-C-T. GRCh37 (hg19) VCF-style: chr2-86479187-C-T.
Other names: c.331G>A, p.Asp111Asn (NM_001164730.2); c.229G>A, p.Asp77Asn (NM_001164731.2); c.310G>A, p.Asp104Asn (NM_001371280.1, NM_001410855.1, NM_001410856.1 and 1 more transcripts); c.182+11901G>A (NM_001164732.2); short protein forms D111N, D77N, D104N.
Identifiers: ClinVar variation 3572536 (VCV003572536.2).